The following is an entry in ClinVar:

ClinVar aggregate classification (germline): Uncertain significance (1 of 4 stars; one submission).

Conditions:
Charcot-Marie-Tooth disease dominant intermediate F. Identifiers: Orphanet 352670, MedGen C4749463, MONDO:0014074, OMIM 615185.

gnomAD v4.1: 1 of 1,590,544 alleles (0.000063%); highest among the groups gnomAD compares: Non-Finnish European, 0.000086%; no homozygotes.

Submission:

Labcorp Genetics (formerly Invitae), Labcorp
Classification: Uncertain significance for Charcot-Marie-Tooth disease dominant intermediate F. Last evaluated: 2022-06-13. Review status: criteria provided, single submitter. Criteria: Invitae Variant Classification Sherloc (09022015). Collection method: clinical testing. Allele origin: germline.
Comment: This sequence change replaces alanine, which is neutral and non-polar, with glycine, which is neutral and non-polar, at codon 28 of the GNB4 protein (p.Ala28Gly). In summary, the available evidence is currently insufficient to determine the role of this variant in disease. Therefore, it has been classified as a Variant of Uncertain Significance. Algorithms developed to predict the effect of missense changes on protein structure and function (SIFT, PolyPhen-2, Align-GVGD) all suggest that this variant is likely to be tolerated. ClinVar contains an entry for this variant (Variation ID: 1018608). This variant has not been reported in the literature in individuals affected with GNB4-related conditions. This variant is not present in population databases (gnomAD no frequency).

NM_021629.4(GNB4):c.83C>G (p.Ala28Gly)

Gene: GNB4 (G protein subunit beta 4; minus strand). Cytogenetic location: 3q26.33.
Variant type: single nucleotide variant.
Coding change: c.83C>G on transcript NM_021629.4 (MANE Select); coding-DNA position 83, C replaced by G.
Protein change: p.Ala28Gly; replaces alanine 28 with glycine.
Molecular consequence: missense variant.
Genome position (GRCh38, 1-based): chr3:179,420,902, G>C on the plus strand (C>G on the coding strand, the complement: GNB4 is on the minus strand). VCF-style: chr3-179420902-G-C. GRCh37 (hg19) VCF-style: chr3-179138690-G-C.
Other names: short protein forms A28G.
Identifiers: ClinVar variation 1018608 (VCV001018608.8), dbSNP rs1023173121, ClinGen allele CA88750752.